The following is an entry in ClinVar:

NM_000245.4(MET):c.1086G>T (p.Met362Ile)

Gene: MET (MET proto-oncogene, receptor tyrosine kinase; plus strand). Cytogenetic location: 7q31.2.
Variant type: single nucleotide variant.
Coding change: c.1086G>T on transcript NM_000245.4 (MANE Select); coding-DNA position 1086, G replaced by T.
Protein change: p.Met362Ile; replaces methionine 362 with isoleucine.
Molecular consequence: missense variant. On other transcripts: intron variant (1).
Genome position (GRCh38, 1-based): chr7:116,700,170, G>T. VCF-style: chr7-116700170-G-T. GRCh37 (hg19) VCF-style: chr7-116340224-G-T.
Other names: c.1086G>T, p.Met362Ile (NM_001127500.3, NM_001324401.3); c.-91+27593G>T (NM_001324402.2); short protein forms M362I.
Identifiers: ClinVar variation 2122261 (VCV002122261.6), dbSNP rs779724665, ClinGen allele CA368970503.

ClinVar aggregate classification (germline): Conflicting classifications of pathogenicity. Review status: criteria provided, conflicting classifications (1 of 4 stars). 3 submissions from 3 submitters: Uncertain significance (2); Likely benign (1). Last evaluated 2025-11-14.

Conditions:
Renal cell carcinoma. Identifiers: Orphanet 217071, MedGen C0007134, MeSH D002292, MONDO:0005086, HP:0005584.
Hereditary cancer-predisposing syndrome. Also called: Hereditary Cancer Syndrome; Tumor predisposition; Neoplastic Syndromes, Hereditary; Hereditary neoplastic syndrome. Identifiers: Orphanet 140162, MedGen C0027672, MeSH D009386, MONDO:0015356.

gnomAD v4.1: 3 of 1,595,500 alleles (0.00019%); highest among the groups gnomAD compares: Middle Eastern, 0.051%; no homozygotes.

Submissions (3):

Ambry Genetics
Classification: Likely benign for Hereditary cancer-predisposing syndrome. Last evaluated: 2025-11-14. Review status: criteria provided, single submitter. Criteria: Ambry Variant Classification Scheme 2023. Collection method: clinical testing. Allele origin: germline.

GeneDx
Classification: Uncertain significance. Last evaluated: 2025-01-21. Review status: criteria provided, single submitter. Criteria: GeneDx Variant Classification Process June 2021. Collection method: clinical testing. Allele origin: germline. Affected: yes.
Comment: Not observed at significant frequency in large population cohorts (gnomAD); In silico analysis indicates that this missense variant does not alter protein structure/function; Has not been previously published as pathogenic or benign to our knowledge

Labcorp Genetics (formerly Invitae), Labcorp
Classification: Uncertain significance for Renal cell carcinoma. Last evaluated: 2022-03-07. Review status: criteria provided, single submitter. Criteria: Invitae Variant Classification Sherloc (09022015). Collection method: clinical testing. Allele origin: germline.
Comment: This sequence change replaces methionine, which is neutral and non-polar, with isoleucine, which is neutral and non-polar, at codon 362 of the MET protein (p.Met362Ile). This variant is not present in population databases (gnomAD no frequency). This variant has not been reported in the literature in individuals affected with MET-related conditions. Algorithms developed to predict the effect of missense changes on protein structure and function (SIFT, PolyPhen-2, Align-GVGD) all suggest that this variant is likely to be tolerated. In summary, the available evidence is currently insufficient to determine the role of this variant in disease. Therefore, it has been classified as a Variant of Uncertain Significance.